The following is an entry in ClinVar:

NM_001184880.2(PCDH19):c.1044G>A (p.Leu348=)

Gene: PCDH19 (protocadherin 19; minus strand). Cytogenetic location: Xq22.1.
Variant type: single nucleotide variant.
Coding change: c.1044G>A on transcript NM_001184880.2 (MANE Select); coding-DNA position 1044, G replaced by A.
Protein change: p.Leu348=; no amino-acid change (leucine 348 retained).
Molecular consequence: synonymous variant.
Genome position (GRCh38, 1-based): chrX:100,407,554, C>T on the plus strand (G>A on the coding strand, the complement: PCDH19 is on the minus strand). VCF-style: chrX-100407554-C-T. GRCh37 (hg19) VCF-style: chrX-99662552-C-T.
Other names: c.1044G>A, p.Leu348= (NM_001105243.2, NM_020766.3).
Identifiers: ClinVar variation 3032816 (VCV003032816.2), dbSNP rs188745136, ClinGen allele CA10468927.

ClinVar aggregate classification (germline): Likely benign (0 of 4 stars; one submission).

Conditions:
PCDH19-related disorder. Also called: PCDH19-related condition.

Allele frequency attached by ClinVar (database versions not stated): ExAC 0.00002; gnomAD 0.00003; gnomAD exomes 0.00011; 1000 Genomes Project 30x 0.00042; 1000 Genomes Project 0.00053.
gnomAD v4.1: 51 of 1,210,218 alleles (0.0042%); highest among the groups gnomAD compares: East Asian, 0.15%; 1 homozygote.

Submission:

PreventionGenetics, part of Exact Sciences
Classification: Likely benign for PCDH19-related condition. Last evaluated: 2020-08-19. Review status: no assertion criteria provided. Collection method: clinical testing. Allele origin: germline.
Comment: This variant is classified as likely benign based on ACMG/AMP sequence variant interpretation guidelines (Richards et al. 2015 PMID: 25741868, with internal and published modifications).